The following is an entry in ClinVar:

ClinVar aggregate classification (germline): Conflicting classifications of pathogenicity. Review status: criteria provided, conflicting classifications (1 of 4 stars). 3 submissions from 3 submitters: Uncertain significance (2); Likely benign (1). Last evaluated 2023-03-23.

Conditions:
Hereditary cancer-predisposing syndrome. Also called: Tumor predisposition; Hereditary Cancer Syndrome; Hereditary neoplastic syndrome; Neoplastic Syndromes, Hereditary. Identifiers: Orphanet 140162, MedGen C0027672, MeSH D009386, MONDO:0015356.
Hereditary breast ovarian cancer syndrome. Also called: Breast and ovarian cancer; Hereditary breast and ovarian cancer; Hereditary breast and/or ovarian cancer syndrome; BRCA1- and BRCA2-Associated Hereditary Breast and Ovarian Cancer; Hereditary breast and ovarian cancer syndrome (HBOC); Hereditary breast and ovarian cancer syndrome. Identifiers: Orphanet 145, MedGen C0677776, MeSH D061325, MONDO:0003582. Disease mechanism: loss of function.

Submissions (3):

University of Washington Department of Laboratory Medicine, University of Washington
Classification: Likely benign for Hereditary cancer-predisposing syndrome. Last evaluated: 2023-03-23. Review status: criteria provided, single submitter. Criteria: Dines et al. (Genet Med. 2020). Collection method: curation. Allele origin: germline.
Comment: Missense variant in a coldspot region where missense variants are very unlikely to be pathogenic (PMID:31911673).

BRCA1 coldspot (exon 11 using historical exon numbering). Reclassification based on statistical prior probability

Labcorp Genetics (formerly Invitae), Labcorp
Classification: Uncertain significance for Hereditary breast ovarian cancer syndrome. Last evaluated: 2022-03-01. Review status: criteria provided, single submitter. Criteria: Invitae Variant Classification Sherloc (09022015). Collection method: clinical testing. Allele origin: germline.
Comment: This sequence change replaces proline, which is neutral and non-polar, with leucine, which is neutral and non-polar, at codon 634 of the BRCA1 protein (p.Pro634Leu). This variant is not present in population databases (gnomAD no frequency). This variant has not been reported in the literature in individuals affected with BRCA1-related conditions. ClinVar contains an entry for this variant (Variation ID: 182137). Advanced modeling of protein sequence and biophysical properties (such as structural, functional, and spatial information, amino acid conservation, physicochemical variation, residue mobility, and thermodynamic stability) performed at Invitae indicates that this missense variant is not expected to disrupt BRCA1 protein function. In summary, the available evidence is currently insufficient to determine the role of this variant in disease. Therefore, it has been classified as a Variant of Uncertain Significance.

GeneDx
Classification: Uncertain significance. Last evaluated: 2014-01-07. Review status: criteria provided, single submitter. Criteria: GeneDx Variant Classification (06012015). Collection method: clinical testing. Allele origin: germline. Affected: yes.
Comment: This variant is denoted BRCA1 c.1901C>T at the cDNA level, p.Pro634Leu (P634L) at the protein level, and results in the change of a Proline to a Leucine (CCT>CTT). This variant has not, to our knowledge, been published in the literature as pathogenic or benign. BRCA1 Pro634Leu was not observed in approximately 6,500 individuals of European and African American ancestry in the NHLBI Exome Sequencing Project, indicating it is not a common benign variant in these populations. Since Proline and Leucine differ in some properties, this is considered a semi-conservative amino acid substitution. BRCA1 Pro634Leu occurs at a position that is moderately conserved across species and is not located in a known functional domain. In silico analysis are inconsistent with regard to the effect this variant may have on protein structure and function. Based on currently available information, it is unclear whether BRCA1 Pro634Leu is pathogenic or benign. We consider it to be a variant of uncertain significance.

NM_007294.4(BRCA1):c.1901C>T (p.Pro634Leu)

Gene: BRCA1 (BRCA1 DNA repair associated; minus strand). Cytogenetic location: 17q21.31.
Variant type: single nucleotide variant.
Coding change: c.1901C>T on transcript NM_007294.4 (MANE Select); coding-DNA position 1901, C replaced by T.
Protein change: p.Pro634Leu; replaces proline 634 with leucine.
Molecular consequence: missense variant. On other transcripts: intron variant (137).
Genome position (GRCh38, 1-based): chr17:43,093,630, G>A on the plus strand (C>T on the coding strand, the complement: BRCA1 is on the minus strand). VCF-style: chr17-43093630-G-A. GRCh37 (hg19) VCF-style: chr17-41245647-G-A.
Other names: p.P634L:CCT>CTT; c.1901C>T, p.Pro634Leu (NM_001407858.1, NM_001407581.1, NM_001407582.1 and 30 more transcripts); c.646+1114C>T (NM_001408457.1, NM_001408458.1, NM_001408469.1 and 11 more transcripts); c.1757C>T, p.Pro586Leu (NM_001407742.1, NM_001407744.1, NM_001407743.1 and 20 more transcripts); c.1688C>T, p.Pro563Leu (NM_001407571.1, NM_001407853.1, NM_001407894.1 and 9 more transcripts); c.520+1114C>T (NM_001408505.1, NM_001408503.1, NM_001408504.1); c.460+2216C>T (NM_001408507.1, NM_001408506.1); c.784+1114C>T (NM_001407991.1, NM_001408397.1, NM_001408401.1 and 13 more transcripts); and 41 more; short protein forms P634L, P587L, P338L, P506L, P522L, P545L, P564L, P567L.
Identifiers: ClinVar variation 182137 (VCV000182137.10), dbSNP rs80357121, ClinGen allele CA001244.